The following is an entry in ClinVar:

NM_021076.4(NEFH):c.2327C>A (p.Ser776Tyr)

Gene: NEFH (neurofilament heavy chain; plus strand). Cytogenetic location: 22q12.2.
Variant type: single nucleotide variant.
Coding change: c.2327C>A on transcript NM_021076.4 (MANE Select); coding-DNA position 2327, C replaced by A.
Protein change: p.Ser776Tyr; replaces serine 776 with tyrosine.
Molecular consequence: missense variant.
Genome position (GRCh38, 1-based): chr22:29,489,967, C>A. VCF-style: chr22-29489967-C-A. GRCh37 (hg19) VCF-style: chr22-29885956-C-A.
Other names: short protein forms S776Y.
Identifiers: ClinVar variation 1371225 (VCV001371225.6), dbSNP rs201520640, ClinGen allele CA411136956.

ClinVar aggregate classification (germline): Uncertain significance (1 of 4 stars; one submission).

Submission:

Labcorp Genetics (formerly Invitae), Labcorp
Classification: Uncertain significance. Last evaluated: 2021-08-02. Review status: criteria provided, single submitter. Criteria: Invitae Variant Classification Sherloc (09022015). Collection method: clinical testing. Allele origin: germline.
Comment: In summary, the available evidence is currently insufficient to determine the role of this variant in disease. Therefore, it has been classified as a Variant of Uncertain Significance. This sequence change replaces serine with tyrosine at codon 776 of the NEFH protein (p.Ser776Tyr). The serine residue is highly conserved and there is a large physicochemical difference between serine and tyrosine. This variant is not present in population databases (ExAC no frequency). This variant has not been reported in the literature in individuals affected with NEFH-related conditions. Advanced modeling of protein sequence and biophysical properties (such as structural, functional, and spatial information, amino acid conservation, physicochemical variation, residue mobility, and thermodynamic stability) performed at Invitae indicates that this missense variant is not expected to disrupt NEFH protein function.